The following is an entry in ClinVar:

ClinVar aggregate classification (germline): Uncertain significance (1 of 4 stars; one submission).

gnomAD v4.1: 5 of 1,201,845 alleles (0.00042%); highest among the groups gnomAD compares: South Asian, 0.0018%; no homozygotes.

Submission:

GeneDx
Classification: Uncertain significance. Last evaluated: 2026-03-19. Review status: criteria provided, single submitter. Criteria: GeneDx Variant Classification Process June 2021. Collection method: clinical testing. Allele origin: germline.
Comment: In silico analysis supports that this missense variant has a deleterious effect on protein structure/function; Has not been previously published as pathogenic or benign to our knowledge

NM_004187.5(KDM5C):c.2767C>T (p.Arg923Trp)

Gene: KDM5C (lysine demethylase 5C; minus strand). Cytogenetic location: Xp11.22.
Variant type: single nucleotide variant.
Coding change: c.2767C>T on transcript NM_004187.5 (MANE Select); coding-DNA position 2767, C replaced by T.
Protein change: p.Arg923Trp; replaces arginine 923 with tryptophan.
Molecular consequence: missense variant. On other transcripts: non-coding transcript variant (3).
Genome position (GRCh38, 1-based): chrX:53,196,900, G>A on the plus strand (C>T on the coding strand, the complement: KDM5C is on the minus strand). VCF-style: chrX-53196900-G-A. GRCh37 (hg19) VCF-style: chrX-53226082-G-A.
Other names: c.2566C>T, p.Arg856Trp (NM_001146702.2); c.2764C>T, p.Arg922Trp (NM_001282622.3, NM_001353979.2, NM_001353982.2); c.2767C>T, p.Arg923Trp (NM_001353978.3, NM_001353981.2, NM_001353984.2); short protein forms R856W, R922W, R923W.
Identifiers: ClinVar variation 3381331 (VCV003381331.2).
Genomic context (GRCh38, chrX:53,196,900, plus strand): 5'-GGGCTGAGGGGGCCAGTGTGCGTTTCACCTCATCCAGCCATCGCGCCTGTTCCACCTGCC[G>A]CTGGAGCTGCTGGGCCTCAGGCACCTCCACCCCCAGCTGCCGCCCCCTCTCCAACAGGGA-3'
Protein context (NP_004178.2, residues 913-933): VEVPEAQQLQ[Arg923Trp]QVEQARWLDE